The following is an entry in ClinVar:

NM_000219.6(KCNE1):c.268A>G (p.Lys90Glu)

Gene: KCNE1 (potassium voltage-gated channel subfamily E regulatory subunit 1; minus strand). Cytogenetic location: 21q22.12.
Variant type: single nucleotide variant.
Coding change: c.268A>G on transcript NM_000219.6 (MANE Select); coding-DNA position 268, A replaced by G.
Protein change: p.Lys90Glu; replaces lysine 90 with glutamic acid.
Molecular consequence: missense variant.
Genome position (GRCh38, 1-based): chr21:34,449,367, T>C on the plus strand (A>G on the coding strand, the complement: KCNE1 is on the minus strand). VCF-style: chr21-34449367-T-C. GRCh37 (hg19) VCF-style: chr21-35821665-T-C.
Other names: c.268A>G, p.Lys90Glu (NM_001127668.4, NM_001127669.4, NM_001127670.4 and 4 more transcripts); short protein forms K90E.
Identifiers: ClinVar variation 2481301 (VCV002481301.5), dbSNP rs1568835906, ClinGen allele CA410198140.

ClinVar aggregate classification (germline): Uncertain significance. Review status: criteria provided, multiple submitters, no conflicts (2 of 4 stars). 2 submissions from 2 submitters: Uncertain significance (2). Last evaluated 2023-12-19.

Conditions:
Cardiovascular phenotype. Identifiers: MedGen CN230736.
Long QT syndrome (LQTS). Identifiers: MedGen C0023976, MeSH D008133, MONDO:0002442. Disease mechanism: loss of function. Inheritance: Various modes of inheritance.

Submissions (3):

Labcorp Genetics (formerly Invitae), Labcorp
Classification: Uncertain significance for Long QT syndrome. Last evaluated: 2023-12-19. Review status: criteria provided, single submitter. Criteria: Invitae Variant Classification Sherloc (09022015). Collection method: clinical testing. Allele origin: germline.
Comment: This sequence change replaces lysine, which is basic and polar, with glutamic acid, which is acidic and polar, at codon 90 of the KCNE1 protein (p.Lys90Glu). This variant is not present in population databases (gnomAD no frequency). This variant has not been reported in the literature in individuals affected with KCNE1-related conditions. ClinVar contains an entry for this variant (Variation ID: 2481301). Advanced modeling of protein sequence and biophysical properties (such as structural, functional, and spatial information, amino acid conservation, physicochemical variation, residue mobility, and thermodynamic stability) has been performed at Invitae for this missense variant, however the output from this modeling did not meet the statistical confidence thresholds required to predict the impact of this variant on KCNE1 protein function. In summary, the available evidence is currently insufficient to determine the role of this variant in disease. Therefore, it has been classified as a Variant of Uncertain Significance.

Ambry Genetics
Classification: Uncertain significance for Cardiovascular phenotype. Last evaluated: 2023-02-06. Review status: criteria provided, single submitter. Criteria: Ambry Variant Classification Scheme 2023. Collection method: clinical testing. Allele origin: germline.

Roden Lab, Vanderbilt University Medical Center
No classification provided (evidence only). Condition: Long QT syndrome 5. Review status: no classification provided. Collection method: in vitro. Allele origin: not applicable. Functional consequence: Effect on ion channel function. Not counted in ClinVar's aggregate classification.
ClinVar note: "not provided" was previously submitted as the classification for the variant. However, the classification appeared to be based only on an observation of functional data so it was converted to no classification on 2025-07-30.